The following continues an entry in ClinVar:

NM_133510.4(RAD51B):c.728A>G (p.Lys243Arg)

Gene: RAD51B. ClinVar aggregate classification (germline): Benign/Likely benign. Benign (2); Likely benign (3).

Submissions 31 to 57 of 57:

Dr. Peter K. Rogan Lab, Western University
No classification provided (evidence only). Condition: Colon adenocarcinoma. Review status: no classification provided. Collection method: in vitro. Allele origin: not applicable. Functional consequence: retained intron. Not counted in ClinVar's aggregate classification.

Dr. Peter K. Rogan Lab, Western University
No classification provided (evidence only). Condition: Colon adenocarcinoma. Review status: no classification provided. Collection method: in vitro. Allele origin: not applicable. Functional consequence: retained intron. Not counted in ClinVar's aggregate classification.

Dr. Peter K. Rogan Lab, Western University
No classification provided (evidence only). Condition: Thyroid cancer, nonmedullary, 1. Review status: no classification provided. Collection method: in vitro. Allele origin: not applicable. Functional consequence: retained intron. Not counted in ClinVar's aggregate classification.

Dr. Peter K. Rogan Lab, Western University
No classification provided (evidence only). Condition: Thyroid cancer, nonmedullary, 1. Review status: no classification provided. Collection method: in vitro. Allele origin: not applicable. Functional consequence: retained intron. Not counted in ClinVar's aggregate classification.

Dr. Peter K. Rogan Lab, Western University
No classification provided (evidence only). Condition: Thyroid cancer, nonmedullary, 1. Review status: no classification provided. Collection method: in vitro. Allele origin: not applicable. Functional consequence: retained intron. Not counted in ClinVar's aggregate classification.

Dr. Peter K. Rogan Lab, Western University
No classification provided (evidence only). Condition: Thyroid cancer, nonmedullary, 1. Review status: no classification provided. Collection method: in vitro. Allele origin: not applicable. Functional consequence: retained intron. Not counted in ClinVar's aggregate classification.

Dr. Peter K. Rogan Lab, Western University
No classification provided (evidence only). Condition: Thyroid cancer, nonmedullary, 1. Review status: no classification provided. Collection method: in vitro. Allele origin: not applicable. Functional consequence: retained intron. Not counted in ClinVar's aggregate classification.

Dr. Peter K. Rogan Lab, Western University
No classification provided (evidence only). Condition: Uterine corpus endometrial carcinoma. Review status: no classification provided. Collection method: in vitro. Allele origin: not applicable. Functional consequence: retained intron. Not counted in ClinVar's aggregate classification.

Dr. Peter K. Rogan Lab, Western University
No classification provided (evidence only). Condition: Cervical cancer. Review status: no classification provided. Collection method: in vitro. Allele origin: not applicable. Functional consequence: retained intron. Not counted in ClinVar's aggregate classification.

Dr. Peter K. Rogan Lab, Western University
No classification provided (evidence only). Condition: Cervical cancer. Review status: no classification provided. Collection method: in vitro. Allele origin: not applicable. Functional consequence: retained intron. Not counted in ClinVar's aggregate classification.

Dr. Peter K. Rogan Lab, Western University
No classification provided (evidence only). Condition: Sarcoma. Review status: no classification provided. Collection method: in vitro. Allele origin: not applicable. Functional consequence: retained intron. Not counted in ClinVar's aggregate classification.

Dr. Peter K. Rogan Lab, Western University
No classification provided (evidence only). Condition: Sarcoma. Review status: no classification provided. Collection method: in vitro. Allele origin: not applicable. Functional consequence: retained intron. Not counted in ClinVar's aggregate classification.

Dr. Peter K. Rogan Lab, Western University
No classification provided (evidence only). Condition: Sarcoma. Review status: no classification provided. Collection method: in vitro. Allele origin: not applicable. Functional consequence: retained intron. Not counted in ClinVar's aggregate classification.

Dr. Peter K. Rogan Lab, Western University
No classification provided (evidence only). Condition: Sarcoma. Review status: no classification provided. Collection method: in vitro. Allele origin: not applicable. Functional consequence: retained intron. Not counted in ClinVar's aggregate classification.

Dr. Peter K. Rogan Lab, Western University
No classification provided (evidence only). Condition: Nonpapillary renal cell carcinoma. Review status: no classification provided. Collection method: in vitro. Allele origin: not applicable. Functional consequence: retained intron. Not counted in ClinVar's aggregate classification.

Dr. Peter K. Rogan Lab, Western University
No classification provided (evidence only). Condition: Thymoma. Review status: no classification provided. Collection method: in vitro. Allele origin: not applicable. Functional consequence: retained intron. Not counted in ClinVar's aggregate classification.

Dr. Peter K. Rogan Lab, Western University
No classification provided (evidence only). Condition: Thymoma. Review status: no classification provided. Collection method: in vitro. Allele origin: not applicable. Functional consequence: retained intron. Not counted in ClinVar's aggregate classification.

Dr. Peter K. Rogan Lab, Western University
No classification provided (evidence only). Condition: Ovarian serous cystadenocarcinoma. Review status: no classification provided. Collection method: in vitro. Allele origin: not applicable. Functional consequence: retained intron. Not counted in ClinVar's aggregate classification.

Dr. Peter K. Rogan Lab, Western University
No classification provided (evidence only). Condition: Ovarian serous cystadenocarcinoma. Review status: no classification provided. Collection method: in vitro. Allele origin: not applicable. Functional consequence: retained intron. Not counted in ClinVar's aggregate classification.

Dr. Peter K. Rogan Lab, Western University
No classification provided (evidence only). Condition: Gastric cancer. Review status: no classification provided. Collection method: in vitro. Allele origin: not applicable. Functional consequence: retained intron. Not counted in ClinVar's aggregate classification.

Dr. Peter K. Rogan Lab, Western University
No classification provided (evidence only). Condition: Gastric cancer. Review status: no classification provided. Collection method: in vitro. Allele origin: not applicable. Functional consequence: retained intron. Not counted in ClinVar's aggregate classification.

Dr. Peter K. Rogan Lab, Western University
No classification provided (evidence only). Condition: Adrenocortical carcinoma, hereditary. Review status: no classification provided. Collection method: in vitro. Allele origin: not applicable. Functional consequence: retained intron. Not counted in ClinVar's aggregate classification.

Dr. Peter K. Rogan Lab, Western University
No classification provided (evidence only). Condition: Uterine carcinosarcoma. Review status: no classification provided. Collection method: in vitro. Allele origin: not applicable. Functional consequence: retained intron. Not counted in ClinVar's aggregate classification.

Dr. Peter K. Rogan Lab, Western University
No classification provided (evidence only). Condition: Uveal melanoma. Review status: no classification provided. Collection method: in vitro. Allele origin: not applicable. Functional consequence: retained intron. Not counted in ClinVar's aggregate classification.

Dr. Peter K. Rogan Lab, Western University
No classification provided (evidence only). Condition: Uveal melanoma. Review status: no classification provided. Collection method: in vitro. Allele origin: not applicable. Functional consequence: retained intron. Not counted in ClinVar's aggregate classification.

Dr. Peter K. Rogan Lab, Western University
No classification provided (evidence only). Condition: Malignant tumor of esophagus. Review status: no classification provided. Collection method: in vitro. Allele origin: not applicable. Functional consequence: retained intron. Not counted in ClinVar's aggregate classification.

Dr. Peter K. Rogan Lab, Western University
No classification provided (evidence only). Condition: Malignant tumor of esophagus. Review status: no classification provided. Collection method: in vitro. Allele origin: not applicable. Functional consequence: retained intron. Not counted in ClinVar's aggregate classification.